The following is an entry in ClinVar:

ClinVar aggregate classification (germline): Conflicting classifications of pathogenicity. Review status: criteria provided, conflicting classifications (1 of 4 stars). 4 submissions from 4 submitters: Uncertain significance (3); Likely benign (1). Last evaluated 2026-02-01.

Conditions:
Vitamin D-dependent rickets, type 1 (VDD1). Also called: VITAMIN D DEPENDENCY, TYPE 1. Identifiers: Orphanet 289157, MedGen C0268689, MONDO:0009924.

Allele frequency attached by ClinVar (database versions not stated): gnomAD 0.00028 and 0.00033; ExAC 0.00034; TOPMed 0.00034; gnomAD exomes 0.00035 and 0.00060; ESP Exome Variant Server 0.00062.
gnomAD v4.1: 904 of 1,613,728 alleles (0.056%); highest among the groups gnomAD compares: Non-Finnish European, 0.072%; no homozygotes.

Submissions (4):

Labcorp Genetics (formerly Invitae), Labcorp
Classification: Likely benign. Last evaluated: 2026-02-01. Review status: criteria provided, single submitter. Criteria: Invitae Variant Classification Sherloc (09022015). Collection method: clinical testing. Allele origin: germline.

Women's Health and Genetics/Laboratory Corporation of America, LabCorp
Classification: Uncertain significance. Last evaluated: 2025-03-18. Review status: criteria provided, single submitter. Criteria: LabCorp Variant Classification Summary - May 2015. Collection method: clinical testing. Allele origin: germline.
Comment: Variant summary: CYP27B1 c.1505A>G (p.Asn502Ser) results in a conservative amino acid change in the encoded protein sequence. Four of five in-silico tools predict a benign effect of the variant on protein function. The variant allele was found at a frequency of 0.00035 in 251400 control chromosomes. This frequency is not significantly higher than estimated for a pathogenic variant in CYP27B1 causing Vitamin D-dependent rickets (0.00035 vs 0.0011), allowing no conclusion about variant significance. To our knowledge, no occurrence of c.1505A>G in individuals affected with Vitamin D-dependent rickets and no experimental evidence demonstrating its impact on protein function have been reported. ClinVar contains an entry for this variant (Variation ID: 309995). Based on the evidence outlined above, the variant was classified as uncertain significance.

GeneDx
Classification: Uncertain significance. Last evaluated: 2022-07-15. Review status: criteria provided, single submitter. Criteria: GeneDx Variant Classification Process June 2021. Collection method: clinical testing. Allele origin: germline. Affected: yes.
Comment: In silico analysis supports that this missense variant has a deleterious effect on protein structure/function; Has not been previously published as pathogenic or benign to our knowledge

Illumina Laboratory Services, Illumina
Classification: Uncertain significance for Vitamin D-dependent rickets, type 1A. Last evaluated: 2018-01-13. Review status: criteria provided, single submitter. Criteria: ICSL Variant Classification Criteria 13 December 2019. Collection method: clinical testing. Allele origin: germline.

NM_000785.4(CYP27B1):c.1505A>G (p.Asn502Ser)

Gene: CYP27B1 (cytochrome P450 family 27 subfamily B member 1; minus strand). Cytogenetic location: 12q14.1.
Variant type: single nucleotide variant.
Coding change: c.1505A>G on transcript NM_000785.4 (MANE Select); coding-DNA position 1505, A replaced by G.
Protein change: p.Asn502Ser; replaces asparagine 502 with serine.
Molecular consequence: missense variant.
Genome position (GRCh38, 1-based): chr12:57,763,164, T>C on the plus strand (A>G on the coding strand, the complement: CYP27B1 is on the minus strand). VCF-style: chr12-57763164-T-C. GRCh37 (hg19) VCF-style: chr12-58156947-T-C.
Other names: short protein forms N502S.
Identifiers: ClinVar variation 309995 (VCV000309995.14), dbSNP rs201629800, ClinGen allele CA6658109.